The following is an entry in ClinVar:

NM_001387777.1(TNS1):c.5376-8G>A

Gene: TNS1 (tensin 1; minus strand). Cytogenetic location: 2q35.
Variant type: single nucleotide variant.
Coding change: c.5376-8G>A on transcript NM_001387777.1 (MANE Select); 8 bases into the intron before coding-DNA position 5376, G replaced by A.
Molecular consequence: intron variant.
Genome position (GRCh38, 1-based): chr2:217,804,611, C>T on the plus strand (G>A on the coding strand, the complement: TNS1 is on the minus strand). VCF-style: chr2-217804611-C-T. GRCh37 (hg19) VCF-style: chr2-218669334-C-T.
Other names: c.5001-8G>A (NM_001308023.2); c.5064-8G>A (NM_022648.7); c.5022-8G>A (NM_001308022.2).
Identifiers: ClinVar variation 3050327 (VCV003050327.2), dbSNP rs377079698, ClinGen allele CA2099285.

ClinVar aggregate classification (germline): Likely benign (0 of 4 stars; one submission).

Conditions:
TNS1-related disorder. Also called: TNS1-related condition.

Allele frequency attached by ClinVar (database versions not stated): gnomAD exomes 0.00001; ESP Exome Variant Server 0.00008; 1000 Genomes Project 0.00020; 1000 Genomes Project 30x 0.00031.

Submission:

PreventionGenetics, part of Exact Sciences
Classification: Likely benign for TNS1-related condition. Last evaluated: 2019-07-23. Review status: no assertion criteria provided. Collection method: clinical testing. Allele origin: germline.
Comment: This variant is classified as likely benign based on ACMG/AMP sequence variant interpretation guidelines (Richards et al. 2015 PMID: 25741868, with internal and published modifications).